The following is an entry in ClinVar:

ClinVar aggregate classification (germline): Benign. Review status: criteria provided, multiple submitters, no conflicts (2 of 4 stars). 9 submissions from 9 submitters: Benign (5). 4 of the submissions do not count toward it. Last evaluated 2026-02-01.

Conditions:
Dilated cardiomyopathy 1W (CMD1W). Identifiers: Orphanet 154, MedGen C1969639, MONDO:0012667, OMIM 611407.

Allele frequency attached by ClinVar (database versions not stated): gnomAD exomes 0.00058; ExAC 0.00069; 1000 Genomes Project 0.00180; 1000 Genomes Project 30x 0.00203; gnomAD 0.00220 and 0.00247; TOPMed 0.00253; ESP Exome Variant Server 0.00261.
gnomAD v4.1: 626 of 1,610,178 alleles (0.039%); highest among the groups gnomAD compares: African/African-American, 0.76%; 2 homozygotes.

Submissions (9):

Labcorp Genetics (formerly Invitae), Labcorp
Classification: Benign for Dilated cardiomyopathy 1W. Last evaluated: 2026-02-01. Review status: criteria provided, single submitter. Criteria: Invitae Variant Classification Sherloc (09022015). Collection method: clinical testing. Allele origin: germline.

ARUP Laboratories, Molecular Genetics and Genomics, ARUP Laboratories
Classification: Benign. Last evaluated: 2024-10-25. Review status: criteria provided, single submitter. Criteria: ARUP Molecular Germline Variant Investigation Process 2024. Collection method: clinical testing. Allele origin: germline.

Women's Health and Genetics/Laboratory Corporation of America, LabCorp
Classification: Benign. Last evaluated: 2021-01-21. Review status: criteria provided, single submitter. Criteria: LabCorp Variant Classification Summary - May 2015. Collection method: clinical testing. Allele origin: germline.
Comment: Variant summary: VCL c.2023-20A>G alters a conserved nucleotide located close to a canonical splice site and therefore could affect mRNA splicing, leading to a significantly altered protein sequence. 4/4 computational tools predict no significant impact on normal splicing. However, these predictions have yet to be confirmed by functional studies. The variant allele was found at a frequency of 0.00058 in 251460 control chromosomes, predominantly at a frequency of 0.0082 within the African or African-American subpopulation in the gnomAD database. The observed variant frequency within African or African-American control individuals in the gnomAD database is approximately 328 fold of the estimated maximal expected allele frequency for a pathogenic variant in VCL causing Cardiomyopathy phenotype (2.5e-05), strongly suggesting that the variant is a benign polymorphism found primarily in populations of African or African-American origin. To our knowledge, no occurrence of c.2023-20A>G in individuals affected with Cardiomyopathy and no experimental evidence demonstrating its impact on protein function have been reported. No clinical diagnostic laboratories have submitted clinical-significance assessments for this variant to ClinVar after 2014. Based on the evidence outlined above, the variant was classified as benign.

GeneDx
Classification: Benign. Last evaluated: 2014-08-13. Review status: criteria provided, single submitter. Criteria: GeneDx Variant Classification (06012015). Collection method: clinical testing. Allele origin: germline. Affected: yes.
Comment: This variant is considered likely benign or benign based on one or more of the following criteria: it is a conservative change, it occurs at a poorly conserved position in the protein, it is predicted to be benign by multiple in silico algorithms, and/or has population frequency not consistent with disease.

Breakthrough Genomics
Classification: Benign. Review status: criteria provided, single submitter. Criteria: ACMG Guidelines, 2015. Collection method: not provided. Allele origin: germline. Inheritance: Autosomal dominant inheritance. Affected: yes.

Clinical Genetics DNA and cytogenetics Diagnostics Lab, Erasmus MC, Erasmus Medical Center
Classification: Likely benign. Review status: no assertion criteria provided. Collection method: clinical testing. Allele origin: germline. Affected: yes. Study: VKGL Data-share Consensus. Not counted in ClinVar's aggregate classification.

Clinical Genetics, Academic Medical Center
Classification: Benign. Review status: no assertion criteria provided. Collection method: clinical testing. Allele origin: germline. Affected: yes. Study: VKGL Data-share Consensus. Not counted in ClinVar's aggregate classification.

Genome Diagnostics Laboratory, University Medical Center Utrecht
Classification: Benign. Review status: no assertion criteria provided. Collection method: clinical testing. Allele origin: germline. Affected: yes. Study: VKGL Data-share Consensus. Not counted in ClinVar's aggregate classification.

Joint Genome Diagnostic Labs from Nijmegen and Maastricht, Radboudumc and MUMC+
Classification: Likely benign. Review status: no assertion criteria provided. Collection method: clinical testing. Allele origin: germline. Affected: yes. Study: VKGL Data-share Consensus. Not counted in ClinVar's aggregate classification.

NM_014000.3(VCL):c.2023-20A>G

Gene: VCL (vinculin; plus strand). Cytogenetic location: 10q22.2.
Variant type: single nucleotide variant.
Coding change: c.2023-20A>G on transcript NM_014000.3 (MANE Select); 20 bases into the intron before coding-DNA position 2023, A replaced by G.
Molecular consequence: intron variant.
Genome position (GRCh38, 1-based): chr10:74,103,800, A>G. VCF-style: chr10-74103800-A-G. GRCh37 (hg19) VCF-style: chr10-75863558-A-G.
Other names: c.2023-20A>G (NM_003373.4).
Identifiers: ClinVar variation 202144 (VCV000202144.24), dbSNP rs143756084, ClinGen allele CA335590.
Genomic context (GRCh38, chr10:74,103,800, plus strand): 5'-AAGAGGAGAAAGCTTGGCTGAAGGTTTGTATCTGGAGAGCAAGGGTGCTCTGGTGTTTAA[A>G]GGTGTTTTGTCATTGTCAGGTGGTCTCGGCTGCTCGTATCTTACTTAGGAACCCTGGAAA-3'